The following is an entry in ClinVar:

NM_003242.6(TGFBR2):c.1469A>G (p.Asn490Ser)

Gene: TGFBR2 (transforming growth factor beta receptor 2; plus strand). Cytogenetic location: 3p24.1.
Variant type: single nucleotide variant.
Coding change: c.1469A>G on transcript NM_003242.6 (MANE Select); coding-DNA position 1469, A replaced by G.
Protein change: p.Asn490Ser; replaces asparagine 490 with serine.
Molecular consequence: missense variant.
Genome position (GRCh38, 1-based): chr3:30,688,456, A>G. VCF-style: chr3-30688456-A-G. GRCh37 (hg19) VCF-style: chr3-30729948-A-G.
Other names: c.1544A>G, p.Asn515Ser (NM_001024847.3); c.1652A>G, p.Asn551Ser (NM_001407126.1); c.1577A>G, p.Asn526Ser (NM_001407127.1); c.1496A>G, p.Asn499Ser (NM_001407128.1); c.1472A>G, p.Asn491Ser (NM_001407129.1); c.1466A>G, p.Asn489Ser (NM_001407130.1); c.1364A>G, p.Asn455Ser (NM_001407132.1, NM_001407133.1, NM_001407134.1 and 2 more transcripts); c.1184A>G, p.Asn395Ser (NM_001407137.1); and 3 more; short protein forms N395S, N526S, N489S, N490S, N491S, N370S, N455S, N499S.
Identifiers: ClinVar variation 2774583 (VCV002774583.4), dbSNP rs1699660823, ClinGen allele CA351809348.

ClinVar aggregate classification (germline): Uncertain significance. Review status: criteria provided, multiple submitters, no conflicts (2 of 4 stars). 3 submissions from 3 submitters: Uncertain significance (3). Last evaluated 2025-03-06.

Conditions:
Loeys-Dietz syndrome 2 (LDS2). Also called: TGFBR2-Related Loeys-Dietz Syndrome; Marfan syndrome, type 2 (formerly); Marfan Syndrome type 2; Marfan like connective tissue disorder; MFS 2; AORTIC ANEURYSM, FAMILIAL THORACIC 3. Identifiers: Orphanet 284973, Orphanet 558, MedGen C2674574, MONDO:0012427, OMIM 610168.
Familial thoracic aortic aneurysm and aortic dissection (TAAD). Also called: Thoracic aortic aneurysms and dissections. Identifiers: Orphanet 91387, MedGen C4707243, MONDO:0019625.

Allele frequency attached by ClinVar (database versions not stated): TOPMed below 0.00001.

Submissions (3):

GeneDx
Classification: Uncertain significance. Last evaluated: 2025-03-06. Review status: criteria provided, single submitter. Criteria: GeneDx Variant Classification Process June 2021. Collection method: clinical testing. Allele origin: germline. Affected: yes.
Comment: Not observed at significant frequency in large population cohorts (gnomAD); In silico analysis indicates that this missense variant does not alter protein structure/function; Has not been previously published as pathogenic or benign to our knowledge

All of Us Research Program, National Institutes of Health
Classification: Uncertain significance for Loeys-Dietz syndrome 2. Last evaluated: 2023-12-01. Review status: criteria provided, single submitter. Criteria: ACMG Guidelines, 2015. Collection method: clinical testing. Allele origin: germline. Inheritance: Autosomal dominant inheritance. Observed: 2 variant alleles, 2 heterozygotes.
Comment: This missense variant replaces asparagine with serine at codon 490 of the TGFBR2 protein. Computational prediction suggests that this variant may not impact protein structure and function (internally defined REVEL score threshold <= 0.5, PMID: 27666373). To our knowledge, functional studies have not been reported for this variant. This variant has not been reported in individuals affected with cardiovascular disorders in the literature. This variant has not been identified in the general population by the Genome Aggregation Database (gnomAD). The available evidence is insufficient to determine the role of this variant in disease conclusively. Therefore, this variant is classified as a Variant of Uncertain Significance.

This study involves interpretation of variants in research participants for the purpose of population health screening. Participant phenotype was not available at the time of variant classification. Additional details can be found in publication PMID: 35346344, PMCID: PMC8962531

Color Diagnostics, LLC DBA Color Health
Classification: Uncertain significance for Familial thoracic aortic aneurysm and aortic dissection. Last evaluated: 2021-12-16. Review status: criteria provided, single submitter. Criteria: ACMG Guidelines, 2015. Collection method: clinical testing. Allele origin: germline.
Comment: This missense variant replaces asparagine with serine at codon 490 of the TGFBR2 protein. Computational prediction suggests that this variant may not impact protein structure and function (internally defined REVEL score threshold <= 0.5, PMID: 27666373). To our knowledge, functional studies have not been reported for this variant. This variant has not been reported in individuals affected with cardiovascular disorders in the literature. This variant has not been identified in the general population by the Genome Aggregation Database (gnomAD). The available evidence is insufficient to determine the role of this variant in disease conclusively. Therefore, this variant is classified as a Variant of Uncertain Significance.